The following is an entry in ClinVar:

NM_000601.6(HGF):c.1087C>A (p.Pro363Thr)

Gene: HGF (hepatocyte growth factor; minus strand). Cytogenetic location: 7q21.11.
Variant type: single nucleotide variant.
Coding change: c.1087C>A on transcript NM_000601.6 (MANE Select); coding-DNA position 1087, C replaced by A.
Protein change: p.Pro363Thr; replaces proline 363 with threonine.
Molecular consequence: missense variant.
Genome position (GRCh38, 1-based): chr7:81,725,971, G>T on the plus strand (C>A on the coding strand, the complement: HGF is on the minus strand). VCF-style: chr7-81725971-G-T. GRCh37 (hg19) VCF-style: chr7-81355287-G-T.
Other names: c.1072C>A, p.Pro358Thr (NM_001010932.3); short protein forms P358T, P363T.
Identifiers: ClinVar variation 5002633 (VCV005002633.1).
Genomic context (GRCh38, chr7:81,725,971, plus strand): 5'-AGTTTGGAATTTGGGAGCAGTAGCCAACTCGGATGTTTGGATCAGTGGTAAAACACCAGG[G>T]TGATTCAGACCCATCTGGATTTCGGCAGTAATTTTCTCGTAGGTCCCTATTGAGAATAAG-3'
Protein context (NP_000592.3, residues 353-373): YCRNPDGSES[Pro363Thr]WCFTTDPNIR

ClinVar aggregate classification (germline): Uncertain significance (1 of 4 stars; one submission).

Conditions:
HGF-related disorder. Also called: HGF-related condition.

gnomAD v4.1: 2 of 1,613,602 alleles (0.00012%); highest among the groups gnomAD compares: Non-Finnish European, 0.00017%; no homozygotes.

Submission:

PreventionGenetics, part of Exact Sciences
Classification: Uncertain significance for HGF-related condition. Last evaluated: 2026-02-20. Review status: criteria provided, single submitter. Criteria: ACMG Guidelines, 2015. Collection method: clinical testing. Allele origin: germline.
Comment: The HGF c.1087C>A variant is predicted to result in the amino acid substitution p.Pro363Thr. To our knowledge, this variant has not been reported in the literature. This variant is reported in 0.0065% of alleles in individuals of European (Non-Finnish) descent in gnomAD. At this time, the clinical significance of this variant is uncertain due to the absence of conclusive functional and genetic evidence.